The following is an entry in ClinVar:

ClinVar aggregate classification (germline): Uncertain significance. Review status: criteria provided, multiple submitters, no conflicts (2 of 4 stars). 2 submissions from 2 submitters: Uncertain significance (2). Last evaluated 2025-07-02.

Conditions:
Inborn genetic diseases. Identifiers: MedGen C0950123, MeSH D030342.
Autosomal dominant nocturnal frontal lobe epilepsy 5. Also called: KCNT1-Related Epilepsy; Epilepsy, nocturnal frontal lobe, 5; CILIARY DYSKINESIA, PRIMARY, 28, WITHOUT SITUS INVERSUS; CILIARY DYSKINESIA, PRIMARY, 28, WITH SITUS INVERSUS. Identifiers: Orphanet 98784, MedGen C3554306, MONDO:0014002, OMIM 615005.
Developmental and epileptic encephalopathy, 14 (DEE14). Also called: Early infantile epileptic encephalopathy 14. Identifiers: Orphanet 293181, MedGen C3554195, MONDO:0013989, OMIM 614959.

Allele frequency attached by ClinVar (database versions not stated): gnomAD 0.00001; gnomAD exomes 0.00001 and 0.00005; ExAC 0.00002; TOPMed 0.00002; ESP Exome Variant Server 0.00008.
gnomAD v4.1: 71 of 1,595,792 alleles (0.0044%); highest among the groups gnomAD compares: Non-Finnish European, 0.0058%; no homozygotes.

Submissions (2):

Labcorp Genetics (formerly Invitae), Labcorp
Classification: Uncertain significance for Autosomal dominant nocturnal frontal lobe epilepsy 5; Developmental and epileptic encephalopathy, 14. Last evaluated: 2025-07-02. Review status: criteria provided, single submitter. Criteria: Invitae Variant Classification Sherloc (09022015). Collection method: clinical testing. Allele origin: germline.
Comment: This sequence change replaces lysine, which is basic and polar, with glutamine, which is neutral and polar, at codon 446 of the KCNT1 protein (p.Lys446Gln). This variant is present in population databases (rs144824627, gnomAD 0.003%). This variant has not been reported in the literature in individuals affected with KCNT1-related conditions. ClinVar contains an entry for this variant (Variation ID: 1505354). An algorithm developed to predict the effect of missense changes on protein structure and function (PolyPhen-2) suggests that this variant is likely to be disruptive. In summary, the available evidence is currently insufficient to determine the role of this variant in disease. Therefore, it has been classified as a Variant of Uncertain Significance.

Ambry Genetics
Classification: Uncertain significance for Inborn genetic diseases. Last evaluated: 2024-12-16. Review status: criteria provided, single submitter. Criteria: Ambry Variant Classification Scheme 2023. Collection method: clinical testing. Allele origin: germline.

NM_020822.3(KCNT1):c.1336A>C (p.Lys446Gln)

Gene: KCNT1 (potassium sodium-activated channel subfamily T member 1; plus strand). Cytogenetic location: 9q34.3.
Variant type: single nucleotide variant.
Coding change: c.1336A>C on transcript NM_020822.3 (MANE Select); coding-DNA position 1336, A replaced by C.
Protein change: p.Lys446Gln; replaces lysine 446 with glutamine.
Molecular consequence: missense variant.
Genome position (GRCh38, 1-based): chr9:135,765,759, A>C. VCF-style: chr9-135765759-A-C. GRCh37 (hg19) VCF-style: chr9-138657605-A-C.
Other names: c.1201A>C, p.Lys401Gln (NM_001272003.2); short protein forms K446Q, K401Q.
Identifiers: ClinVar variation 1505354 (VCV001505354.9), dbSNP rs144824627, ClinGen allele CA5326849.
Genomic context (GRCh38, chr9:135,765,759, plus strand): 5'-TCCCAGCGGGTCATCTACCTCCAGGGCTCTGCACTCAAAGACCAGGACCTCATGCGAGCC[A>C]AGTGAGTGCTGGTGGGCGGAGGGGGTGGCATGGGGGCACCTTCCTGAGTCAGGTCGGCTG-3'
Protein context (NP_065873.2, residues 436-456): ALKDQDLMRA[Lys446Gln]MDNGEACFIL